The following is an entry in ClinVar:

ClinVar aggregate classification (germline): Uncertain significance (1 of 4 stars; one submission).

Conditions:
Inborn genetic diseases. Identifiers: MedGen C0950123, MeSH D030342.

gnomAD v4.1: 1 of 1,614,210 alleles (0.000062%); highest among the groups gnomAD compares: South Asian, 0.0011%; no homozygotes.

Submission:

Ambry Genetics
Classification: Uncertain significance for Inborn genetic diseases. Last evaluated: 2026-03-31. Review status: criteria provided, single submitter. Criteria: Ambry Variant Classification Scheme 2023. Collection method: clinical testing. Allele origin: germline.
Comment: The p.Q1057K variant (also known as c.3169C>A), located in coding exon 32 of the FANCA gene, results from a C to A substitution at nucleotide position 3169. The glutamine at codon 1057 is replaced by lysine, an amino acid with similar properties. This amino acid position is conserved. In addition, this alteration is predicted to be tolerated by in silico analysis. Based on the available evidence, the clinical significance of this variant remains unclear.

NM_000135.4(FANCA):c.3169C>A (p.Gln1057Lys)

Gene: FANCA (FA complementation group A; minus strand). Cytogenetic location: 16q24.3.
Variant type: single nucleotide variant.
Coding change: c.3169C>A on transcript NM_000135.4 (MANE Select); coding-DNA position 3169, C replaced by A.
Protein change: p.Gln1057Lys; replaces glutamine 1057 with lysine.
Molecular consequence: missense variant.
Genome position (GRCh38, 1-based): chr16:89,749,800, G>T on the plus strand (C>A on the coding strand, the complement: FANCA is on the minus strand). VCF-style: chr16-89749800-G-T. GRCh37 (hg19) VCF-style: chr16-89816208-G-T.
Other names: c.3169C>A, p.Gln1057Lys (NM_001286167.3); short protein forms Q1057K.
Identifiers: ClinVar variation 4870807 (VCV004870807.1).
Genomic context (GRCh38, chr16:89,749,800, plus strand): 5'-TTAGCAGCTCCCTCTGTCTCTGAAGGCTGGCAGCCACGCTCCACCCGCTTGTCAGAGCCT[G>T]GAGCCGTCTGCGGAAAATCTCAAAGAGGAAGTGCTCCTGGGAAGGGGTGTGGCCGAGAGG-3'
Protein context (NP_000126.2, residues 1047-1067): FLFEIFRRRL[Gln1057Lys]ALTSGWSVAA